The following is an entry in ClinVar:

NM_016507.4(CDK12):c.1747A>G (p.Thr583Ala)

Gene: CDK12 (cyclin dependent kinase 12; plus strand). Cytogenetic location: 17q12.
Variant type: single nucleotide variant.
Coding change: c.1747A>G on transcript NM_016507.4 (MANE Select); coding-DNA position 1747, A replaced by G.
Protein change: p.Thr583Ala; replaces threonine 583 with alanine.
Molecular consequence: missense variant.
Genome position (GRCh38, 1-based): chr17:39,471,579, A>G. VCF-style: chr17-39471579-A-G. GRCh37 (hg19) VCF-style: chr17-37627832-A-G.
Other names: c.1747A>G, p.Thr583Ala (NM_015083.4); short protein forms T583A.
Identifiers: ClinVar variation 3489389 (VCV003489389.1).

ClinVar aggregate classification (germline): Uncertain significance (1 of 4 stars; one submission).

gnomAD v4.1: 6 of 1,613,934 alleles (0.00037%); highest among the groups gnomAD compares: Non-Finnish European, 0.00051%; no homozygotes.

Submission:

Ambry Genetics
Classification: Uncertain significance. Last evaluated: 2024-12-08. Review status: criteria provided, single submitter. Criteria: Ambry Variant Classification Scheme 2023. Collection method: clinical testing. Allele origin: germline.
Comment: The p.T583A variant (also known as c.1747A>G), located in coding exon 2 of the CDK12 gene, results from an A to G substitution at nucleotide position 1747. The threonine at codon 583 is replaced by alanine, an amino acid with similar properties. This amino acid position is conserved. In addition, this alteration is predicted to be tolerated by in silico analysis. Based on the available evidence, the clinical significance of this variant remains unclear.